The following is an entry in ClinVar:

ClinVar aggregate classification (germline): Likely pathogenic (1 of 4 stars; one submission).

Conditions:
Glomuvenous malformation. Also called: GLOMANGIOMAS, MULTIPLE; GLOMUS TUMORS, MULTIPLE; VENOUS MALFORMATIONS WITH GLOMUS CELLS; Familial glomangioma. Identifiers: Orphanet 83454, MedGen C1841984, MONDO:0007672, OMIM 138000.

gnomAD v4.1: 2 of 1,260,188 alleles (0.00016%); highest among the groups gnomAD compares: East Asian, 0.0023%; no homozygotes.

Submission:

Juno Genomics, Hangzhou Juno Genomics, Inc
Classification: Likely pathogenic for Glomuvenous malformation. Review status: criteria provided, single submitter. Criteria: ACMG Guidelines, 2015. Collection method: clinical testing. Allele origin: germline.
Comment: Absent from controls (or at extremely low frequency if recessive) in Genome Aggregation Database.;Null variant in a gene where loss of function (LOF) is a known mechanism of disease.

NM_053274.3(GLMN):c.1573A>T (p.Lys525Ter)

Gene: GLMN (glomulin; minus strand). Cytogenetic location: 1p22.1.
Variant type: single nucleotide variant.
Coding change: c.1573A>T on transcript NM_053274.3 (MANE Select); coding-DNA position 1573, A replaced by T.
Protein change: p.Lys525Ter; replaces lysine 525 with a stop codon.
Molecular consequence: nonsense. On other transcripts: non-coding transcript variant (1).
Genome position (GRCh38, 1-based): chr1:92,247,890, T>A on the plus strand (A>T on the coding strand, the complement: GLMN is on the minus strand). VCF-style: chr1-92247890-T-A. GRCh37 (hg19) VCF-style: chr1-92713447-T-A.
Other names: c.1531A>T, p.Lys511Ter (NM_001319683.2); short protein forms K511*, K525*.
Identifiers: ClinVar variation 3382812 (VCV003382812.3).